The following is an entry in ClinVar:

ClinVar aggregate classification (germline): Likely pathogenic (1 of 4 stars; one submission).

Conditions:
Maple syrup urine disease type 1B (MSUD1B). Also called: MSUD type IB; MSUD type 3 (formerly); MSUD due to deficiency of e1-beta subunit of branched-chain alpha-keto acid dehydrogenase complex. Identifiers: MedGen C2930990, MONDO:0023692, OMIM 620698.

Submission:

Natera, Inc.
Classification: Likely pathogenic for Maple syrup urine disease type 1B. Last evaluated: 2025-02-17. Review status: criteria provided, single submitter. Criteria: Natera Variant Classification Schema (03/2026). Collection method: clinical testing. Allele origin: germline.
Comment: The c.343+4del variant in BCKDHB is a frameshift variant predicted to shift the reading frame and introduce a stop codon. This variant is rare in the general population with a frequency below the threshold expected for the associated phenotype(s). This variant has been observed in one or more individuals affected with the associated recessive disease, as either homozygous or compound heterozygous with a second variant (PMID: 19715473). Functional studies show that this variant may disrupt protein function (PMID: 19715473). Computational prediction algorithms indicate this variant is likely to affect gene or protein function. Given the available evidence, this variant is classified as Likely Pathogenic.

Literature cited by the submitters: PubMed 19715473.

NM_183050.4(BCKDHB):c.343+4del

Gene: BCKDHB (branched chain keto acid dehydrogenase E1 subunit beta; plus strand). Cytogenetic location: 6q14.1.
Variant type: Deletion.
Coding change: c.343+4del on transcript NM_183050.4 (MANE Select); 4 bases into the intron after coding-DNA position 343, one base deleted (A; older notation c.343+4delA).
Molecular consequence: intron variant.
Genome position (GRCh38, 1-based): chr6:80,129,233, A deleted; the last of 2 consecutive A bases (chr6:80,129,232-80,129,233); deleting either gives the same sequence. VCF-style (leftmost placement, unchanged base first): chr6-80129231-TA-T. GRCh37 (hg19) VCF-style: chr6-80838948-TA-T.
Other names: c.133+4del (NM_001318975.1, NM_001424043.1); c.343+4del (NM_001424037.1, NM_001424036.1, NM_001424035.1 and 8 more transcripts).
Identifiers: ClinVar variation 4063831 (VCV004063831.2).
Genomic context (GRCh38, chr6:80,129,231, plus strand): 5'-TGAAGATGTTGCCTTTGGTGGAGTCTTTAGATGCACTGTTGGCTTGCGAGACAAATATGG[TA>T]AGTAAATACCTATATGAATAGTATTCTGATAGAACTTTTACTAAAAGATCTTAAAAATAC-3'